The following is an entry in ClinVar:

ClinVar aggregate classification (germline): Uncertain significance (1 of 4 stars; one submission).

Submission:

Labcorp Genetics (formerly Invitae), Labcorp
Classification: Uncertain significance. Last evaluated: 2022-07-15. Review status: criteria provided, single submitter. Criteria: Invitae Variant Classification Sherloc (09022015). Collection method: clinical testing. Allele origin: germline.
Comment: This sequence change replaces threonine, which is neutral and polar, with serine, which is neutral and polar, at codon 948 of the HYOU1 protein (p.Thr948Ser). This variant is not present in population databases (gnomAD no frequency). This variant has not been reported in the literature in individuals affected with HYOU1-related conditions. Algorithms developed to predict the effect of missense changes on protein structure and function are either unavailable or do not agree on the potential impact of this missense change (SIFT: "Not Available"; PolyPhen-2: "Benign"; Align-GVGD: "Not Available"). In summary, the available evidence is currently insufficient to determine the role of this variant in disease. Therefore, it has been classified as a Variant of Uncertain Significance.

NM_006389.5(HYOU1):c.2842A>T (p.Thr948Ser)

Gene: HYOU1 (hypoxia up-regulated 1; minus strand). Cytogenetic location: 11q23.3.
Variant type: single nucleotide variant.
Coding change: c.2842A>T on transcript NM_006389.5 (MANE Select); coding-DNA position 2842, A replaced by T.
Protein change: p.Thr948Ser; replaces threonine 948 with serine.
Molecular consequence: missense variant.
Genome position (GRCh38, 1-based): chr11:119,046,462, T>A on the plus strand (A>T on the coding strand, the complement: HYOU1 is on the minus strand). VCF-style: chr11-119046462-T-A. GRCh37 (hg19) VCF-style: chr11-118917174-T-A.
Other names: c.2842A>T, p.Thr948Ser (NM_001130991.3, NM_001411041.1); short protein forms T948S.
Identifiers: ClinVar variation 2016970 (VCV002016970.4), dbSNP rs2497091443, ClinGen allele CA382917789.
Genomic context (GRCh38, chr11:119,046,462, plus strand): 5'-GTTGCTCCAACTCACCAGTCTCTACTTTCTCAGGTTCTGAAATGGGCTCTGCATCTTCAG[T>A]CTGGCCTAGAAGGAAACCAGGGGTAAGACATAGCCTCAGGAAGGAAAGGAGGCTGTCTCC-3'
Protein context (NP_006380.1, residues 938-958): GEKVIPPAGQ[Thr948Ser]EDAEPISEPE